The following is an entry in ClinVar:

ClinVar aggregate classification (germline): Uncertain significance (1 of 4 stars; one submission).

Submission:

GeneDx
Classification: Uncertain significance. Last evaluated: 2024-01-31. Review status: criteria provided, single submitter. Criteria: GeneDx Variant Classification Process June 2021. Collection method: clinical testing. Allele origin: germline. Affected: yes.
Comment: Not observed at significant frequency in large population cohorts (gnomAD); In silico analysis suggests this variant may impact gene splicing. In the absence of RNA/functional studies, the actual effect of this sequence change is unknown.; Has not been previously published as pathogenic or benign to our knowledge

NM_018896.5(CACNA1G):c.3792-4G>T

Gene: CACNA1G (calcium voltage-gated channel subunit alpha1 G; plus strand). Cytogenetic location: 17q21.33.
Variant type: single nucleotide variant.
Coding change: c.3792-4G>T on transcript NM_018896.5 (MANE Select); 4 bases into the intron before coding-DNA position 3792, G replaced by T.
Molecular consequence: intron variant.
Genome position (GRCh38, 1-based): chr17:50,601,047, G>T. VCF-style: chr17-50601047-G-T. GRCh37 (hg19) VCF-style: chr17-48678408-G-T.
Other names: c.3792-4G>T (NM_001256325.2, NM_198377.3, NM_198380.3 and 16 more transcripts); c.3723-4G>T (NM_198396.3, NM_198379.3, NM_198387.3 and 5 more transcripts).
Identifiers: ClinVar variation 3368623 (VCV003368623.1).